The following is an entry in ClinVar:

ClinVar aggregate classification (germline): Uncertain significance (1 of 4 stars; one submission).

Allele frequency attached by ClinVar (database versions not stated): gnomAD exomes 0.00003 and 0.00014; TOPMed 0.00004; gnomAD 0.00006 and 0.00009; ExAC 0.00011; 1000 Genomes Project 30x 0.00078; 1000 Genomes Project 0.00100.
gnomAD v4.1: 53 of 1,614,040 alleles (0.0033%); highest among the groups gnomAD compares: East Asian, 0.11%; 1 homozygote.

Submission:

Labcorp Genetics (formerly Invitae), Labcorp
Classification: Uncertain significance. Last evaluated: 2024-04-09. Review status: criteria provided, single submitter. Criteria: Invitae Variant Classification Sherloc (09022015). Collection method: clinical testing. Allele origin: germline.
Comment: This sequence change replaces glycine, which is neutral and non-polar, with aspartic acid, which is acidic and polar, at codon 742 of the LAMC3 protein (p.Gly742Asp). This variant is present in population databases (rs563186161, gnomAD 0.2%), including at least one homozygous and/or hemizygous individual. This variant has not been reported in the literature in individuals affected with LAMC3-related conditions. ClinVar contains an entry for this variant (Variation ID: 1437230). An algorithm developed to predict the effect of missense changes on protein structure and function (PolyPhen-2) suggests that this variant is likely to be disruptive. In summary, the available evidence is currently insufficient to determine the role of this variant in disease. Therefore, it has been classified as a Variant of Uncertain Significance.

NM_006059.4(LAMC3):c.2225G>A (p.Gly742Asp)

Gene: LAMC3 (laminin subunit gamma 3; plus strand). Cytogenetic location: 9q34.12.
Variant type: single nucleotide variant.
Coding change: c.2225G>A on transcript NM_006059.4 (MANE Select); coding-DNA position 2225, G replaced by A.
Protein change: p.Gly742Asp; replaces glycine 742 with aspartic acid.
Molecular consequence: missense variant.
Genome position (GRCh38, 1-based): chr9:131,061,101, G>A. VCF-style: chr9-131061101-G-A. GRCh37 (hg19) VCF-style: chr9-133936488-G-A.
Other names: short protein forms G742D.
Identifiers: ClinVar variation 1437230 (VCV001437230.5), dbSNP rs563186161, ClinGen allele CA5287357.